The following is an entry in ClinVar:

ClinVar aggregate classification (germline): Likely pathogenic. Review status: criteria provided, multiple submitters, no conflicts (2 of 4 stars). 2 submissions from 2 submitters: Likely pathogenic (2). Last evaluated 2023-03-24.

Conditions:
SATB2-related disorder. Also called: SATB2-related condition.
Chromosome 2q32-q33 deletion syndrome (GLASS). Also called: Glass syndrome; 2q33.1 deletion syndrome. Identifiers: Orphanet 251019, MedGen C2676739, MONDO:0012864, OMIM 612313.

Submissions (2):

Labcorp Genetics (formerly Invitae), Labcorp
Classification: Likely pathogenic for Chromosome 2q32-q33 deletion syndrome. Last evaluated: 2023-03-24. Review status: criteria provided, single submitter. Criteria: Invitae Variant Classification Sherloc (09022015). Collection method: clinical testing. Allele origin: germline.
Comment: This variant has not been reported in the literature in individuals affected with SATB2-related conditions. This variant is not present in population databases (gnomAD no frequency). This sequence change affects a donor splice site in intron 7 of the SATB2 gene. It is expected to disrupt RNA splicing. Variants that disrupt the donor or acceptor splice site typically lead to a loss of protein function (PMID: 16199547), and loss-of-function variants in SATB2 are known to be pathogenic (PMID: 25885067). Algorithms developed to predict the effect of sequence changes on RNA splicing suggest that this variant may disrupt the consensus splice site. In summary, the currently available evidence indicates that the variant is pathogenic, but additional data are needed to prove that conclusively. Therefore, this variant has been classified as Likely Pathogenic.

PreventionGenetics, part of Exact Sciences
Classification: Likely pathogenic for SATB2-related condition. Last evaluated: 2023-03-02. Review status: criteria provided, single submitter. Criteria: ACMG Guidelines, 2015. Collection method: clinical testing. Allele origin: germline.
Comment: The SATB2 c.700+1G>A variant is predicted to disrupt the GT donor site and interfere with normal splicing. To our knowledge, this variant has not been reported in the literature or in a large population database, indicating this variant is rare. Variants that disrupt consensus splice donor sites in SATB2 are expected to be pathogenic. Therefore, this variant is interpreted as likely pathogenic.

Literature cited by the submitters: PubMed 16199547 (cited by Labcorp Genetics (formerly Invitae), Labcorp); PubMed 25885067 (cited by Labcorp Genetics (formerly Invitae), Labcorp).

NM_001172509.2(SATB2):c.700+1G>A

Gene: SATB2 (SATB homeobox 2; minus strand). Cytogenetic location: 2q33.1.
Variant type: single nucleotide variant.
Coding change: c.700+1G>A on transcript NM_001172509.2 (MANE Select); the canonical splice donor site of the intron after coding-DNA position 700, G replaced by A.
Molecular consequence: splice donor variant.
Genome position (GRCh38, 1-based): chr2:199,368,604, C>T on the plus strand (G>A on the coding strand, the complement: SATB2 is on the minus strand). VCF-style: chr2-199368604-C-T. GRCh37 (hg19) VCF-style: chr2-200233327-C-T.
Other names: c.700+1G>A (NM_001172517.1, NM_015265.4).
Identifiers: ClinVar variation 2630551 (VCV002630551.4), dbSNP rs2468928471, ClinGen allele CA350387094.
Genomic context (GRCh38, chr2:199,368,604, plus strand): 5'-CCAACAACTCATGAACCTCAGAAACTGAAAACAGGCTTTACAAACAAAAAAGTCAGTTTA[C>T]CTTTAATCTTCTTGTACTTTTTATACCATCTCCCAAACTCCTGGCACTTGGTTGCTGACA-3'